The following is an entry in ClinVar:

ClinVar aggregate classification (germline): Uncertain significance (1 of 4 stars; one submission).

Submission:

GeneDx
Classification: Uncertain significance. Last evaluated: 2025-02-05. Review status: criteria provided, single submitter. Criteria: GeneDx Variant Classification Process June 2021. Collection method: clinical testing. Allele origin: germline. Affected: yes.
Comment: Not observed at significant frequency in large population cohorts (gnomAD); In-frame deletion of 3 amino acid(s) and insertion of 1 different amino acid(s) in a non-repeat region; In silico analysis indicates that this variant does not alter protein structure/function; Has not been previously published as pathogenic or benign to our knowledge

NM_015015.3(KDM4B):c.1290_1295del (p.His430_Arg432delinsGln)

Gene: KDM4B (lysine demethylase 4B; plus strand). Cytogenetic location: 19p13.3.
Variant type: Deletion.
Coding change: c.1290_1295del on transcript NM_015015.3 (MANE Select); coding-DNA positions 1290 to 1295, 6 bases deleted (CGGCCG; older notation c.1290_1295delCGGCCG).
Protein change: p.His430_Arg432delinsGln.
Molecular consequence: inframe indel.
Genome position (GRCh38, 1-based): chr19:5,119,827-5,119,832, CGGCCG deleted. VCF-style (leftmost placement, unchanged base first): chr19-5119826-ACGGCCG-A. GRCh37 (hg19) VCF-style: chr19-5119837-ACGGCCG-A.
Other names: c.1392_1397del, p.His464_Arg466delinsGln (NM_001411148.1).
Identifiers: ClinVar variation 4074474 (VCV004074474.1).